The following is an entry in ClinVar:

NM_001143854.2(RPH3A):c.978C>G (p.Ala326=)

Gene: RPH3A (rabphilin 3A; plus strand). Cytogenetic location: 12q24.13.
Variant type: single nucleotide variant.
Coding change: c.978C>G on transcript NM_001143854.2 (MANE Select); coding-DNA position 978, C replaced by G.
Protein change: p.Ala326=; no amino-acid change (alanine 326 retained).
Molecular consequence: synonymous variant. On other transcripts: non-coding transcript variant (2).
Genome position (GRCh38, 1-based): chr12:112,876,673, C>G. VCF-style: chr12-112876673-C-G. GRCh37 (hg19) VCF-style: chr12-113314478-C-G.
Other names: c.978C>G, p.Ala326= (NM_001347952.2, NM_001347953.1, NM_001347954.2); c.777C>G, p.Ala259= (NM_001347955.2); c.966C>G, p.Ala322= (NM_014954.4).
Identifiers: ClinVar variation 781700 (VCV000781700.28), dbSNP rs35786803, ClinGen allele CA6799263.

ClinVar aggregate classification (germline): Benign/Likely benign. Review status: criteria provided, multiple submitters, no conflicts (2 of 4 stars). 2 submissions from 2 submitters: Benign (1); Likely benign (1). Last evaluated 2022-07-01.

Allele frequency attached by ClinVar (database versions not stated): ESP Exome Variant Server 0.00100; TOPMed 0.00109; 1000 Genomes Project 30x 0.00187; 1000 Genomes Project 0.00240.
gnomAD v4.1: 2,614 of 1,612,586 alleles (0.16%); highest among the groups gnomAD compares: South Asian, 0.24%; 3 homozygotes.

Submissions (2):

CeGaT Center for Human Genetics Tuebingen
Classification: Likely benign. Last evaluated: 2022-07-01. Review status: criteria provided, single submitter. Criteria: CeGaT Center For Human Genetics Tuebingen Variant Classification Criteria Version 2. Collection method: clinical testing. Allele origin: germline. Affected: yes. Observed: 1 variant allele.
Comment: RPH3A: BP4, BP7

Labcorp Genetics (formerly Invitae), Labcorp
Classification: Benign. Last evaluated: 2019-12-31. Review status: criteria provided, single submitter. Criteria: Invitae Variant Classification Sherloc (09022015). Collection method: clinical testing. Allele origin: germline.